The following is an entry in ClinVar:

ClinVar aggregate classification (germline): Conflicting classifications of pathogenicity. Review status: criteria provided, conflicting classifications (1 of 4 stars). 2 submissions from 2 submitters: Pathogenic (1); Uncertain significance (1). Last evaluated 2025-01-08.

Conditions:
Methylmalonic aciduria due to methylmalonyl-CoA mutase deficiency (MAMM). Also called: Methylmalonic aciduria, mut type. Identifiers: Orphanet 27, MedGen C1855114, MONDO:0009612, OMIM 251000.

Allele frequency attached by ClinVar (database versions not stated): ExAC 0.00001.

Submissions (2):

Women's Health and Genetics/Laboratory Corporation of America, LabCorp
Classification: Uncertain significance. Last evaluated: 2025-01-08. Review status: criteria provided, single submitter. Criteria: LabCorp Variant Classification Summary - May 2015. Collection method: clinical testing. Allele origin: germline.
Comment: Variant summary: MUT c.467A>T (p.Asp156Val) results in a non-conservative amino acid change located in the cobalamin (vitamin B12)-dependent enzyme domain (IPR016176) of the encoded protein sequence. Five of five in-silico tools predict a damaging effect of the variant on protein function. The frequency data for this variant in gnomAD is considered unreliable, as metrics indicate poor data quality at this position. c.467A>T has been reported in the literature in individuals affected with Methylmalonic Acidemia (e.g., Forny_2016, Hu_2022, Liang_2023, Liang_2021, Ling_2024, Yu_2021). These data indicate that the variant may be associated with disease. To our knowledge, no experimental evidence demonstrating an impact on protein function has been reported. The following publications have been ascertained in the context of this evaluation (PMID: 27167370, 35361390, 37316190, 33413471, 39075538, 34668645). ClinVar contains an entry for this variant (Variation ID: 222913). Based on the evidence outlined above, the variant was classified as VUS-possibly pathogenic.

University Children's Hospital, University of Zurich
Classification: Pathogenic for Methylmalonic aciduria due to methylmalonyl-CoA mutase deficiency. Review status: criteria provided, single submitter. Criteria: Forny et al. (Hum Mutat. 2016). Collection method: clinical testing. Allele origin: germline. Inheritance: Autosomal recessive inheritance. Affected: yes.

Literature cited by the submitters: PubMed 27167370 (cited by Women's Health and Genetics/Laboratory Corporation of America, LabCorp); PubMed 33413471 (cited by Women's Health and Genetics/Laboratory Corporation of America, LabCorp); PubMed 34668645 (cited by Women's Health and Genetics/Laboratory Corporation of America, LabCorp); PubMed 35361390 (cited by Women's Health and Genetics/Laboratory Corporation of America, LabCorp); PubMed 37316190 (cited by Women's Health and Genetics/Laboratory Corporation of America, LabCorp); PubMed 39075538 (cited by Women's Health and Genetics/Laboratory Corporation of America, LabCorp); PubMed 25736335 (cited by University Children's Hospital, University of Zurich).

NM_000255.4(MMUT):c.467A>T (p.Asp156Val)

Gene: MMUT (methylmalonyl-CoA mutase; minus strand). Cytogenetic location: 6p12.3.
Variant type: single nucleotide variant.
Coding change: c.467A>T on transcript NM_000255.4 (MANE Select); coding-DNA position 467, A replaced by T.
Protein change: p.Asp156Val; replaces aspartic acid 156 with valine.
Molecular consequence: missense variant.
Genome position (GRCh38, 1-based): chr6:49,457,977, T>A on the plus strand (A>T on the coding strand, the complement: MMUT is on the minus strand). VCF-style: chr6-49457977-T-A. GRCh37 (hg19) VCF-style: chr6-49425690-T-A.
Other names: short protein forms D156V.
Identifiers: ClinVar variation 222913 (VCV000222913.4), dbSNP rs757000253, ClinGen allele CA3847103.